The following is an entry in ClinVar:

NM_004006.3(DMD):c.8714G>A (p.Arg2905Gln)

Gene: DMD (dystrophin; minus strand). Cytogenetic location: Xp21.2.
Variant type: single nucleotide variant.
Coding change: c.8714G>A on transcript NM_004006.3 (MANE Select); coding-DNA position 8714, G replaced by A.
Protein change: p.Arg2905Gln; replaces arginine 2905 with glutamine.
Molecular consequence: missense variant.
Genome position (GRCh38, 1-based): chrX:31,478,329, C>T on the plus strand (G>A on the coding strand, the complement: DMD is on the minus strand). VCF-style: chrX-31478329-C-T. GRCh37 (hg19) VCF-style: chrX-31496446-C-T.
Other names: c.8690G>A, p.Arg2897Gln (NM_000109.4); c.8702G>A, p.Arg2901Gln (NM_004009.3); c.8345G>A, p.Arg2782Gln (NM_004010.3); c.4691G>A, p.Arg1564Gln (NM_004011.4); c.4682G>A, p.Arg1561Gln (NM_004012.4); c.1334G>A, p.Arg445Gln (NM_004013.3, NM_004020.4, NM_004021.3 and 2 more transcripts); c.527G>A, p.Arg176Gln (NM_004014.3); short protein forms R2905Q, R1561Q, R1564Q, R176Q, R2782Q, R2897Q, R2901Q, R445Q.
Identifiers: ClinVar variation 82179 (VCV000082179.11), dbSNP rs267606433, ClinGen allele CA328434460.

ClinVar aggregate classification (germline): Uncertain significance. Review status: criteria provided, single submitter (1 of 4 stars). 2 submissions from 2 submitters: Uncertain significance (1). 1 of the submissions does not count toward it. Last evaluated 2024-02-23.

Conditions:
Dystrophin deficiency.
Becker muscular dystrophy (BMD). Also called: MUSCULAR DYSTROPHY, PSEUDOHYPERTROPHIC PROGRESSIVE, BECKER TYPE; Becker Muscular Dystrophy (BMD). Identifiers: Orphanet 98895, MedGen C0917713, MONDO:0010311, OMIM 300376.
Cardiomyopathy (CMYO). Also called: Cardiomyopathies. Identifiers: Orphanet 167848, MedGen C0878544, MONDO:0004994, HP:0001638. Inheritance: Various modes of inheritance.
Duchenne muscular dystrophy (DMD). Also called: Duchenne Muscular Dystrophy (DMD); MUSCULAR DYSTROPHY, PSEUDOHYPERTROPHIC PROGRESSIVE, DUCHENNE TYPE. Identifiers: Orphanet 98896, MedGen C0013264, MONDO:0010679, OMIM 310200.

Allele frequency attached by ClinVar (database versions not stated): gnomAD exomes below 0.00001; TOPMed below 0.00001; gnomAD 0.00001.
gnomAD v4.1: 5 of 1,209,628 alleles (0.00041%); highest among the groups gnomAD compares: African/African-American, 0.0018%; no homozygotes.

Submissions (2):

Labcorp Genetics (formerly Invitae), Labcorp
Classification: Uncertain significance for Duchenne muscular dystrophy. Last evaluated: 2024-02-23. Review status: criteria provided, single submitter. Criteria: Invitae Variant Classification Sherloc (09022015). Collection method: clinical testing. Allele origin: germline.
Comment: This sequence change replaces arginine, which is basic and polar, with glutamine, which is neutral and polar, at codon 2905 of the DMD protein (p.Arg2905Gln). This variant is not present in population databases (gnomAD no frequency). This variant has not been reported in the literature in individuals affected with DMD-related conditions. ClinVar contains an entry for this variant (Variation ID: 82179). Advanced modeling of protein sequence and biophysical properties (such as structural, functional, and spatial information, amino acid conservation, physicochemical variation, residue mobility, and thermodynamic stability) performed at Invitae indicates that this missense variant is not expected to disrupt DMD protein function with a negative predictive value of 95%. In summary, the available evidence is currently insufficient to determine the role of this variant in disease. Therefore, it has been classified as a Variant of Uncertain Significance.

Natera, Inc.
Classification: Uncertain significance for Becker muscular dystrophy; Cardiomyopathy; Duchenne muscular dystrophy; Dystrophin deficiency. Last evaluated: 2020-06-25. Review status: no assertion criteria provided. Collection method: clinical testing. Allele origin: germline. Not counted in ClinVar's aggregate classification.